The following is an entry in ClinVar:

ClinVar aggregate classification (germline): Uncertain significance (1 of 4 stars; one submission).

Conditions:
Catecholaminergic polymorphic ventricular tachycardia 1. Also called: VENTRICULAR TACHYCARDIA, STRESS-INDUCED POLYMORPHIC 1; VENTRICULAR TACHYCARDIA, CATECHOLAMINERGIC POLYMORPHIC, 1, WITH OR WITHOUT ATRIAL DYSFUNCTION AND/OR DILATED CARDIOMYOPATHY; RYR2-Related Catecholaminergic Polymorphic Ventricular Tachycardia. Identifiers: Orphanet 3286, MedGen C1631597, MONDO:0011484, OMIM 604772.

Allele frequency attached by ClinVar (database versions not stated): gnomAD exomes below 0.00001.
gnomAD v4.1: 1 of 1,580,936 alleles (0.000063%); highest among the groups gnomAD compares: Non-Finnish European, 0.000086%; no homozygotes.

Submission:

Labcorp Genetics (formerly Invitae), Labcorp
Classification: Uncertain significance for Catecholaminergic polymorphic ventricular tachycardia 1. Last evaluated: 2022-03-19. Review status: criteria provided, single submitter. Criteria: Invitae Variant Classification Sherloc (09022015). Collection method: clinical testing. Allele origin: germline.
Comment: This sequence change replaces proline, which is neutral and non-polar, with serine, which is neutral and polar, at codon 590 of the TRDN protein (p.Pro590Ser). This variant is not present in population databases (gnomAD no frequency). This variant has not been reported in the literature in individuals affected with TRDN-related conditions. Algorithms developed to predict the effect of missense changes on protein structure and function output the following: SIFT: "Deleterious"; PolyPhen-2: "Probably Damaging"; Align-GVGD: "Class C0". The serine amino acid residue is found in multiple mammalian species, which suggests that this missense change does not adversely affect protein function. In summary, the available evidence is currently insufficient to determine the role of this variant in disease. Therefore, it has been classified as a Variant of Uncertain Significance.

NM_006073.4(TRDN):c.1768C>T (p.Pro590Ser)

Gene: TRDN (triadin; minus strand). Cytogenetic location: 6q22.31.
Variant type: single nucleotide variant.
Coding change: c.1768C>T on transcript NM_006073.4 (MANE Select); coding-DNA position 1768, C replaced by T.
Protein change: p.Pro590Ser; replaces proline 590 with serine.
Molecular consequence: missense variant.
Genome position (GRCh38, 1-based): chr6:123,267,722, G>A on the plus strand (C>T on the coding strand, the complement: TRDN is on the minus strand). VCF-style: chr6-123267722-G-A. GRCh37 (hg19) VCF-style: chr6-123588867-G-A.
Other names: short protein forms P590S.
Identifiers: ClinVar variation 1448208 (VCV001448208.7), dbSNP rs2114606785, ClinGen allele CA365564015.
Genomic context (GRCh38, chr6:123,267,722, plus strand): 5'-AATAGTGAACATAAGACAGAATATAAACCAAAAATGGTAAAATACCTGTTTTTATAGATG[G>A]AGGTTCTCTTTCTCGATGTTCAGCTTTTTCTAGAGAAAGAAATCAAAATTCACTGGCAAT-3'
Protein context (NP_006064.2, residues 580-600): KKAEHREREP[Pro590Ser]SIKTDKPKPT